The following is an entry in ClinVar:

NM_000238.4(KCNH2):c.2482T>A (p.Cys828Ser)

Gene: KCNH2 (potassium voltage-gated channel subfamily H member 2; minus strand). Cytogenetic location: 7q36.1.
Variant type: single nucleotide variant.
Coding change: c.2482T>A on transcript NM_000238.4 (MANE Select); coding-DNA position 2482, T replaced by A.
Protein change: p.Cys828Ser; replaces cysteine 828 with serine.
Molecular consequence: missense variant. On other transcripts: non-coding transcript variant (2).
Genome position (GRCh38, 1-based): chr7:150,948,966, A>T on the plus strand (T>A on the coding strand, the complement: KCNH2 is on the minus strand). VCF-style: chr7-150948966-A-T. GRCh37 (hg19) VCF-style: chr7-150646054-A-T.
Other names: c.2194T>A, p.Cys732Ser (NM_001406753.1); c.1462T>A, p.Cys488Ser (NM_172057.3); short protein forms C732S, C488S, C828S.
Identifiers: ClinVar variation 2813594 (VCV002813594.3), dbSNP rs1801029729, ClinGen allele CA369855121.

ClinVar aggregate classification (germline): Uncertain significance (1 of 4 stars; one submission).

Conditions:
Long QT syndrome (LQTS). Identifiers: MedGen C0023976, MeSH D008133, MONDO:0002442. Disease mechanism: loss of function. Inheritance: Various modes of inheritance.

gnomAD v4.1: 1 of 1,613,934 alleles (0.000062%); highest among the groups gnomAD compares: Non-Finnish European, 0.000085%; no homozygotes.

Submission:

Labcorp Genetics (formerly Invitae), Labcorp
Classification: Uncertain significance for Long QT syndrome. Last evaluated: 2022-12-05. Review status: criteria provided, single submitter. Criteria: Invitae Variant Classification Sherloc (09022015). Collection method: clinical testing. Allele origin: germline.
Comment: This sequence change replaces cysteine, which is neutral and slightly polar, with serine, which is neutral and polar, at codon 828 of the KCNH2 protein (p.Cys828Ser). This variant is not present in population databases (gnomAD no frequency). This variant has not been reported in the literature in individuals affected with KCNH2-related conditions. Algorithms developed to predict the effect of missense changes on protein structure and function are either unavailable or do not agree on the potential impact of this missense change (SIFT: "Deleterious"; PolyPhen-2: "Probably Damaging"; Align-GVGD: "Class C0"). In summary, the available evidence is currently insufficient to determine the role of this variant in disease. Therefore, it has been classified as a Variant of Uncertain Significance.